The following is an entry in ClinVar:

ClinVar aggregate classification (germline): Uncertain significance. Review status: criteria provided, multiple submitters, no conflicts (2 of 4 stars). 3 submissions from 3 submitters: Uncertain significance (3). Last evaluated 2023-10-13.

Allele frequency attached by ClinVar (database versions not stated): gnomAD 0.00003 and 0.00005; gnomAD exomes 0.00003; ExAC 0.00004; 1000 Genomes Project 30x 0.00016; 1000 Genomes Project 0.00020.

Submissions (3):

Labcorp Genetics (formerly Invitae), Labcorp
Classification: Uncertain significance. Last evaluated: 2023-10-13. Review status: criteria provided, single submitter. Criteria: Invitae Variant Classification Sherloc (09022015). Collection method: clinical testing. Allele origin: germline.
Comment: This sequence change replaces arginine, which is basic and polar, with cysteine, which is neutral and slightly polar, at codon 309 of the HOMER2 protein (p.Arg309Cys). This variant is present in population databases (rs190714784, gnomAD 0.01%). This variant has not been reported in the literature in individuals affected with HOMER2-related conditions. ClinVar contains an entry for this variant (Variation ID: 1360068). An algorithm developed to predict the effect of missense changes on protein structure and function (PolyPhen-2) suggests that this variant is likely to be disruptive. In summary, the available evidence is currently insufficient to determine the role of this variant in disease. Therefore, it has been classified as a Variant of Uncertain Significance.

GeneDx
Classification: Uncertain significance. Last evaluated: 2022-03-04. Review status: criteria provided, single submitter. Criteria: GeneDx Variant Classification Process June 2021. Collection method: clinical testing. Allele origin: germline.
Comment: In silico analysis supports that this missense variant has a deleterious effect on protein structure/function; Has not been previously published as pathogenic or benign to our knowledge; Variants in candidate genes are classified as variants of uncertain significance in accordance with ACMG guidelines (Richards et al., 2015)

Blueprint Genetics
Classification: Uncertain significance. Last evaluated: 2021-11-04. Review status: criteria provided, single submitter. Criteria: ACMG Guidelines, 2015. Collection method: clinical testing. Allele origin: germline.

NM_004839.4(HOMER2):c.925C>T (p.Arg309Cys)

Gene: HOMER2 (homer scaffold protein 2; minus strand). Cytogenetic location: 15q25.2.
Variant type: single nucleotide variant.
Coding change: c.925C>T on transcript NM_004839.4 (MANE Select); coding-DNA position 925, C replaced by T.
Protein change: p.Arg309Cys; replaces arginine 309 with cysteine.
Molecular consequence: missense variant.
Genome position (GRCh38, 1-based): chr15:82,849,822, G>A on the plus strand (C>T on the coding strand, the complement: HOMER2 is on the minus strand). VCF-style: chr15-82849822-G-A. GRCh37 (hg19) VCF-style: chr15-83518574-G-A.
Other names: c.958C>T (NM_199330.2); c.958C>T, p.Arg320Cys (NM_199330.3); short protein forms R309C, R320C.
Identifiers: ClinVar variation 1360068 (VCV001360068.10), dbSNP rs190714784, ClinGen allele CA7701955.